The following is an entry in ClinVar:

ClinVar aggregate classification (germline): Uncertain significance (1 of 4 stars; one submission).

Conditions:
Anterior segment dysgenesis. Also called: Ocular anterior segment dysgenesis. Identifiers: Orphanet 88632, MedGen C1862839, MONDO:0019503, HP:0007700.
Congenital primary aphakia. Also called: Anterior segment dysgenesis 2, multiple subtypes; ANTERIOR SEGMENT DYSGENESIS 2. Identifiers: Orphanet 83461, MedGen C1853230, MONDO:0012456, OMIM 610256.

Submission:

Labcorp Genetics (formerly Invitae), Labcorp
Classification: Uncertain significance for Anterior segment dysgenesis; Congenital primary aphakia. Last evaluated: 2025-09-23. Review status: criteria provided, single submitter. Criteria: Invitae Variant Classification Sherloc (09022015). Collection method: clinical testing. Allele origin: germline.
Comment: This sequence change replaces proline, which is neutral and non-polar, with threonine, which is neutral and polar, at codon 185 of the FOXE3 protein (p.Pro185Thr). This variant is not present in population databases (gnomAD no frequency). This variant has not been reported in the literature in individuals affected with FOXE3-related conditions. Invitae Evidence Modeling of protein sequence and biophysical properties (such as structural, functional, and spatial information, amino acid conservation, physicochemical variation, residue mobility, and thermodynamic stability) indicates that this missense variant is not expected to disrupt FOXE3 protein function with a negative predictive value of 80%. In summary, the available evidence is currently insufficient to determine the role of this variant in disease. Therefore, it has been classified as a Variant of Uncertain Significance.

NM_012186.3(FOXE3):c.553C>A (p.Pro185Thr)

Genes: FOXE3 (forkhead box E3; plus strand), LINC01389 (long independently transcribed non-coding RNA 1389; minus strand). Cytogenetic location: 1p33.
Variant type: single nucleotide variant.
Coding change: c.553C>A on transcript NM_012186.3 (MANE Select); coding-DNA position 553, C replaced by A.
Protein change: p.Pro185Thr; replaces proline 185 with threonine.
Molecular consequence: missense variant.
Genome position (GRCh38, 1-based): chr1:47,416,868, C>A. VCF-style: chr1-47416868-C-A. GRCh37 (hg19) VCF-style: chr1-47882540-C-A.
Other names: short protein forms P185T.
Identifiers: ClinVar variation 4792429 (VCV004792429.1).